The following is an entry in ClinVar:

ClinVar aggregate classification (germline): Uncertain significance (1 of 4 stars; one submission).

gnomAD v4.1: 1 of 1,599,788 alleles (0.000063%); highest among the groups gnomAD compares: Non-Finnish European, 0.000086%; no homozygotes.

Submission:

CeGaT Center for Human Genetics Tuebingen
Classification: Uncertain significance. Last evaluated: 2025-07-01. Review status: criteria provided, single submitter. Criteria: CeGaT Center For Human Genetics Tuebingen Variant Classification Criteria Version 2. Collection method: clinical testing. Allele origin: germline. Affected: yes. Observed: 1 variant allele.
Comment: IFNAR1: PM2, BP4

NM_000629.3(IFNAR1):c.1210G>A (p.Val404Met)

Gene: IFNAR1 (interferon alpha and beta receptor subunit 1; plus strand). Cytogenetic location: 21q22.11.
Variant type: single nucleotide variant.
Coding change: c.1210G>A on transcript NM_000629.3 (MANE Select); coding-DNA position 1210, G replaced by A.
Protein change: p.Val404Met; replaces valine 404 with methionine.
Molecular consequence: missense variant.
Genome position (GRCh38, 1-based): chr21:33,352,824, G>A. VCF-style: chr21-33352824-G-A. GRCh37 (hg19) VCF-style: chr21-34725130-G-A.
Other names: c.1210G>A, p.Val404Met (NM_001384498.1, NM_001384499.1, NM_001384503.1); c.448G>A, p.Val150Met (NM_001384500.1); c.1195G>A, p.Val399Met (NM_001384501.1); c.748G>A, p.Val250Met (NM_001384502.1); c.1003G>A, p.Val335Met (NM_001384504.1); short protein forms V150M, V250M, V335M, V399M, V404M.
Identifiers: ClinVar variation 4084565 (VCV004084565.8).